The following is an entry in ClinVar:

NM_016302.4(CRBN):c.1274C>T (p.Thr425Met)

Genes: CRBN (cereblon; minus strand), TRNT1 (tRNA nucleotidyl transferase 1; plus strand). Cytogenetic location: 3p26.2.
Variant type: single nucleotide variant.
Coding change: c.1274C>T on transcript NM_016302.4 (MANE Select); coding-DNA position 1274, C replaced by T.
Protein change: p.Thr425Met; replaces threonine 425 with methionine.
Molecular consequence: missense variant. On other transcripts: 3 prime UTR variant (1), non-coding transcript variant (3).
Genome position (GRCh38, 1-based): chr3:3,150,920, G>A on the plus strand (C>T on the coding strand, the complement: CRBN is on the minus strand). VCF-style: chr3-3150920-G-A. GRCh37 (hg19) VCF-style: chr3-3192604-G-A.
Other names: c.*414G>A (NM_001367321.1); c.1271C>T, p.Thr424Met (NM_001173482.1); short protein forms T425M, T424M.
Identifiers: ClinVar variation 210759 (VCV000210759.11), dbSNP rs566932471, ClinGen allele CA207701.
Genomic context (GRCh38, chr3:3,150,920, plus strand): 5'-TCTGTTTACAAGCAAAGTATTACTTTGTCTGGACTTATTTCATCTTCAGTGTCTGGGATC[G>A]TGGGCAACAGAGCAGATCGCGTTAAGCCCCAAAATTTTTGAGGTGACATGTCTTTTTTGG-3'
Protein context (NP_057386.2, residues 415-435): WGLTRSALLP[Thr425Met]IPDTEDEISP

ClinVar aggregate classification (germline): Likely benign. Review status: criteria provided, multiple submitters, no conflicts (2 of 4 stars). 3 submissions from 3 submitters: Likely benign (2). 1 of the submissions does not count toward it. Last evaluated 2026-07-01.

Conditions:
CRBN-related disorder. Also called: CRBN-related condition.

Allele frequency attached by ClinVar (database versions not stated): gnomAD 0.00004 and 0.00027; gnomAD exomes 0.00083; 1000 Genomes Project 30x 0.00094; ExAC 0.00094; 1000 Genomes Project 0.00120.
gnomAD v4.1: 679 of 1,613,932 alleles (0.042%); highest among the groups gnomAD compares: South Asian, 0.69%; 10 homozygotes.

Submissions (3):

CeGaT Center for Human Genetics Tuebingen
Classification: Likely benign. Last evaluated: 2026-07-01. Review status: criteria provided, single submitter. Criteria: CeGaT Center For Human Genetics Tuebingen Variant Classification Criteria Version 2. Collection method: clinical testing. Allele origin: germline. Affected: yes. Observed: 1 variant allele.
Comment: CRBN: BS2

Genetic Services Laboratory, University of Chicago
Classification: Likely benign. Last evaluated: 2018-04-27. Review status: criteria provided, single submitter. Criteria: ACMG Guidelines, 2015. Collection method: clinical testing. Allele origin: germline. Affected: no.

PreventionGenetics, part of Exact Sciences
Classification: Likely benign for CRBN-related condition. Last evaluated: 2019-11-22. Review status: no assertion criteria provided. Collection method: clinical testing. Allele origin: germline. Not counted in ClinVar's aggregate classification.
Comment: This variant is classified as likely benign based on ACMG/AMP sequence variant interpretation guidelines (Richards et al. 2015 PMID: 25741868, with internal and published modifications).